The following is an entry in ClinVar:

ClinVar aggregate classification (germline): Uncertain significance (1 of 4 stars; one submission).

Conditions:
Epileptic encephalopathy. Identifiers: MedGen C0543888, HP:0200134.

Allele frequency attached by ClinVar (database versions not stated): TOPMed 0.00003; gnomAD 0.00004 and 0.00005; 1000 Genomes Project 0.00020; 1000 Genomes Project 30x 0.00031.
gnomAD v4.1: 22 of 1,612,752 alleles (0.0014%); highest among the groups gnomAD compares: African/African-American, 0.0093%; 1 homozygote.

Submission:

Labcorp Genetics (formerly Invitae), Labcorp
Classification: Uncertain significance for Epileptic encephalopathy. Last evaluated: 2022-05-27. Review status: criteria provided, single submitter. Criteria: Invitae Variant Classification Sherloc (09022015). Collection method: clinical testing. Allele origin: germline.
Comment: This sequence change replaces valine, which is neutral and non-polar, with isoleucine, which is neutral and non-polar, at codon 107 of the FASN protein (p.Val107Ile). This variant is present in population databases (rs549669954, gnomAD 0.02%). This variant has not been reported in the literature in individuals affected with FASN-related conditions. ClinVar contains an entry for this variant (Variation ID: 963076). Algorithms developed to predict the effect of missense changes on protein structure and function are either unavailable or do not agree on the potential impact of this missense change (SIFT: "Deleterious"; PolyPhen-2: "Probably Damaging"; Align-GVGD: "Class C0"). In summary, the available evidence is currently insufficient to determine the role of this variant in disease. Therefore, it has been classified as a Variant of Uncertain Significance.

NM_004104.5(FASN):c.319G>A (p.Val107Ile)

Gene: FASN (fatty acid synthase; minus strand). Cytogenetic location: 17q25.3.
Variant type: single nucleotide variant.
Coding change: c.319G>A on transcript NM_004104.5 (MANE Select); coding-DNA position 319, G replaced by A.
Protein change: p.Val107Ile; replaces valine 107 with isoleucine.
Molecular consequence: missense variant.
Genome position (GRCh38, 1-based): chr17:82,093,733, C>T on the plus strand (G>A on the coding strand, the complement: FASN is on the minus strand). VCF-style: chr17-82093733-C-T. GRCh37 (hg19) VCF-style: chr17-80051609-C-T.
Other names: short protein forms V107I.
Identifiers: ClinVar variation 963076 (VCV000963076.4), dbSNP rs549669954, ClinGen allele CA8853565.